The following is an entry in ClinVar:

ClinVar aggregate classification (germline): Likely benign. Review status: criteria provided, multiple submitters, no conflicts (2 of 4 stars). 2 submissions from 2 submitters: Likely benign (2). Last evaluated 2025-12-16.

Conditions:
Chédiak-Higashi syndrome (CHS). Also called: Chediak-Higashi Syndrome. Identifiers: Orphanet 167, MedGen C0007965, MONDO:0008963, OMIM 214500.

Allele frequency attached by ClinVar (database versions not stated): ExAC 0.00001; gnomAD 0.00002; gnomAD exomes 0.00002 and 0.00003; TOPMed 0.00002.
gnomAD v4.1: 53 of 1,613,910 alleles (0.0033%); highest among the groups gnomAD compares: Non-Finnish European, 0.004%; no homozygotes.

Submissions (2):

Labcorp Genetics (formerly Invitae), Labcorp
Classification: Likely benign for Chédiak-Higashi syndrome. Last evaluated: 2025-12-16. Review status: criteria provided, single submitter. Criteria: Invitae Variant Classification Sherloc (09022015). Collection method: clinical testing. Allele origin: germline.

Mayo Clinic Laboratories, Mayo Clinic
Classification: Likely benign. Last evaluated: 2025-09-15. Review status: criteria provided, single submitter. Criteria: ACMG Guidelines, 2015. Collection method: clinical testing. Allele origin: germline. Observed: 2 variant alleles.
Comment: BP4, BP7

NM_000081.4(LYST):c.10416C>T (p.Tyr3472=)

Gene: LYST (lysosomal trafficking regulator; minus strand). Cytogenetic location: 1q42.3.
Variant type: single nucleotide variant.
Coding change: c.10416C>T on transcript NM_000081.4 (MANE Select); coding-DNA position 10416, C replaced by T.
Protein change: p.Tyr3472=; no amino-acid change (tyrosine 3472 retained).
Molecular consequence: synonymous variant.
Genome position (GRCh38, 1-based): chr1:235,697,231, G>A on the plus strand (C>T on the coding strand, the complement: LYST is on the minus strand). VCF-style: chr1-235697231-G-A. GRCh37 (hg19) VCF-style: chr1-235860531-G-A.
Other names: p.Tyr3472=; c.10416C>T, p.Tyr3472= (NM_001301365.1).
Identifiers: ClinVar variation 706190 (VCV000706190.8), dbSNP rs757982705, ClinGen allele CA1465371.
Genomic context (GRCh38, chr1:235,697,231, plus strand): 5'-TCTTTCTCCGTGGGGCTGGCTGAAGCAGACCACAGGTACTGGAGCACTGGGGGAACCCAC[G>A]TATTCCCCCCATTTCAAGCCTTTTATCCATGACAAAGGACTCTAAAATGAAGAAAAATAA-3'
Protein context (NP_000072.2, residues 3462-3482): SWIKGLKWGE[Tyr3472=]VGSPSAPVPV